The following is an entry in ClinVar:

ClinVar aggregate classification (germline): Uncertain significance (1 of 4 stars; one submission).

Conditions:
Glycogen storage disease, type II (IOPD). Also called: Glucosidase acid-1,4-alpha deficiency; POMPE DISEASE, INFANTILE-ONSET; GLYCOGEN STORAGE DISEASE II, INFANTILE-ONSET; ACID ALPHA-GLUCOSIDASE DEFICIENCY, INFANTILE-ONSET; GAA DEFICIENCY, INFANTILE-ONSET; ACID MALTASE DEFICIENCY, INFANTILE-ONSET. Identifiers: Orphanet 365, MedGen C0017921, MONDO:0009290, OMIM 232300.

Submission:

Labcorp Genetics (formerly Invitae), Labcorp
Classification: Uncertain significance for Glycogen storage disease, type II. Last evaluated: 2019-01-16. Review status: criteria provided, single submitter. Criteria: Invitae Variant Classification Sherloc (09022015). Collection method: clinical testing. Allele origin: germline.
Comment: This variant has not been reported in the literature in individuals with GAA-related conditions. In summary, the available evidence is currently insufficient to determine the role of this variant in disease. Therefore, it has been classified as a Variant of Uncertain Significance. Experimental studies and prediction algorithms are not available for this variant, and the functional significance of the affected amino acid(s) is currently unknown. This variant is not present in population databases (ExAC no frequency). This variant, c.311_313del, results in the deletion of 1 amino acid(s) of the GAA protein (p.Glu104del), but otherwise preserves the integrity of the reading frame.

NM_000152.5(GAA):c.311_313del (p.Glu104del)

Gene: GAA (alpha glucosidase; plus strand). Cytogenetic location: 17q25.3.
Variant type: Deletion.
Coding change: c.311_313del on transcript NM_000152.5 (MANE Select); coding-DNA positions 311 to 313, 3 bases deleted (AGG; older notation c.311_313delAGG).
Protein change: p.Glu104del; deletes glutamic acid 104.
Molecular consequence: inframe deletion.
Genome position (GRCh38, 1-based): chr17:80,104,897-80,104,899, AGG deleted; deleting any 3 consecutive bases within chr17:80,104,896-80,104,899 gives the same sequence; the c. name uses the placement nearest the transcript's 3' end. VCF-style (leftmost placement, unchanged base first): chr17-80104895-CGAG-C. GRCh37 (hg19) VCF-style: chr17-78078694-CGAG-C.
Other names: c.311_313del, p.Glu104del (NM_001079803.3, NM_001079804.3); short protein forms E104del.
Identifiers: ClinVar variation 845665 (VCV000845665.10), dbSNP rs2039038181, ClinGen allele CA916082437.